The following is an entry in ClinVar:

NM_003041.4(SLC5A2):c.1376T>C (p.Val459Ala)

Gene: SLC5A2 (solute carrier family 5 member 2; plus strand). Cytogenetic location: 16p11.2.
Variant type: single nucleotide variant.
Coding change: c.1376T>C on transcript NM_003041.4 (MANE Select); coding-DNA position 1376, T replaced by C.
Protein change: p.Val459Ala; replaces valine 459 with alanine.
Molecular consequence: missense variant.
Genome position (GRCh38, 1-based): chr16:31,488,975, T>C. VCF-style: chr16-31488975-T-C. GRCh37 (hg19) VCF-style: chr16-31500296-T-C.
Other names: short protein forms V459A.
Identifiers: ClinVar variation 3236035 (VCV003236035.1), dbSNP rs2082529442, ClinGen allele CA395755222.

ClinVar aggregate classification (germline): Uncertain significance (1 of 4 stars; one submission).

Conditions:
Familial renal glucosuria (GLYS). Also called: Familial renal glycosuria; RENAL GLUCOSURIA, AUTOSOMAL DOMINANT. Identifiers: Orphanet 69076, MedGen C3245525, MONDO:0009297, OMIM 233100.

Allele frequency attached by ClinVar (database versions not stated): TOPMed below 0.00001.

Submission:

MVZ Medizinische Genetik Mainz
Classification: Uncertain significance for Familial renal glucosuria. Last evaluated: 2022-06-21. Review status: criteria provided, single submitter. Criteria: UK Practice Guidelines For Variant Classification V4 01 2020. Collection method: clinical testing. Allele origin: germline. Inheritance: Autosomal dominant inheritance. Affected: yes. Observed: 1 variant allele.
Comment: ACMG Criteria: PM2_SUP, PP3, PP4 (ACMG Version 4); Compound Heterozygote